The following is an entry in ClinVar:

NM_012210.4(TRIM32):c.410C>T (p.Pro137Leu)

Genes: ASTN2 (astrotactin 2; minus strand), TRIM32 (tripartite motif containing 32; plus strand). Cytogenetic location: 9q33.1.
Variant type: single nucleotide variant.
Coding change: c.410C>T on transcript NM_012210.4 (MANE Select); coding-DNA position 410, C replaced by T.
Protein change: p.Pro137Leu; replaces proline 137 with leucine.
Molecular consequence: missense variant. On other transcripts: intron variant (3).
Genome position (GRCh38, 1-based): chr9:116,698,152, C>T. VCF-style: chr9-116698152-C-T. GRCh37 (hg19) VCF-style: chr9-119460431-C-T.
Other names: c.410C>T, p.Pro137Leu (NM_001099679.2, NM_001379048.1, NM_001379049.1 and 1 more transcripts); c.2653+27619G>A (NM_014010.5); c.2794+27619G>A (NM_001365069.1); c.2806+27619G>A (NM_001365068.1); short protein forms P137L.
Identifiers: ClinVar variation 2143757 (VCV002143757.7), dbSNP rs897930061, ClinGen allele CA198769471.

ClinVar aggregate classification (germline): Uncertain significance. Review status: criteria provided, multiple submitters, no conflicts (2 of 4 stars). 4 submissions from 4 submitters: Uncertain significance (3). 1 of the submissions does not count toward it. Last evaluated 2023-04-08.

Conditions:
Bardet-Biedl syndrome (BBS). Identifiers: Orphanet 110, MedGen C0752166, MONDO:0015229.
TRIM32-related disorder. Also called: TRIM32-related condition.
Inborn genetic diseases. Identifiers: MedGen C0950123, MeSH D030342.

Allele frequency attached by ClinVar (database versions not stated): gnomAD exomes 0.00001; gnomAD 0.00002; TOPMed 0.00003.
gnomAD v4.1: 22 of 1,614,038 alleles (0.0014%); highest among the groups gnomAD compares: Non-Finnish European, 0.0018%; no homozygotes.

Submissions (4):

Ambry Genetics
Classification: Uncertain significance for Inborn genetic diseases. Last evaluated: 2023-04-08. Review status: criteria provided, single submitter. Criteria: Ambry Variant Classification Scheme 2023. Collection method: clinical testing. Allele origin: germline.

Labcorp Genetics (formerly Invitae), Labcorp
Classification: Uncertain significance for Bardet-Biedl syndrome. Last evaluated: 2022-03-11. Review status: criteria provided, single submitter. Criteria: Invitae Variant Classification Sherloc (09022015). Collection method: clinical testing. Allele origin: germline.
Comment: This sequence change replaces proline, which is neutral and non-polar, with leucine, which is neutral and non-polar, at codon 137 of the TRIM32 protein (p.Pro137Leu). This variant is present in population databases (no rsID available, gnomAD 0.003%). This variant has not been reported in the literature in individuals affected with TRIM32-related conditions. Algorithms developed to predict the effect of missense changes on protein structure and function are either unavailable or do not agree on the potential impact of this missense change (SIFT: "Deleterious"; PolyPhen-2: "Benign"; Align-GVGD: "Class C15"). In summary, the available evidence is currently insufficient to determine the role of this variant in disease. Therefore, it has been classified as a Variant of Uncertain Significance.

Revvity Omics, Revvity
Classification: Uncertain significance. Last evaluated: 2021-11-26. Review status: criteria provided, single submitter. Criteria: ACMG Guidelines, 2015. Collection method: clinical testing. Allele origin: germline.

PreventionGenetics, part of Exact Sciences
Classification: Uncertain significance for TRIM32-related condition. Last evaluated: 2024-03-05. Review status: no assertion criteria provided. Collection method: clinical testing. Allele origin: germline. Not counted in ClinVar's aggregate classification.
Comment: The TRIM32 c.410C>T variant is predicted to result in the amino acid substitution p.Pro137Leu. To our knowledge, this variant has not been reported in the literature. This variant is reported in 0.0027% of alleles in individuals of European (Non-Finnish) descent in gnomAD. At this time, the clinical significance of this variant is uncertain due to the absence of conclusive functional and genetic evidence.